The following is an entry in ClinVar:

ClinVar aggregate classification (germline): Uncertain significance. Review status: criteria provided, multiple submitters, no conflicts (2 of 4 stars). 2 submissions from 2 submitters: Uncertain significance (2). Last evaluated 2026-03-30.

Conditions:
Recessive dystrophic epidermolysis bullosa (RDEB). Also called: Hallopeau-Siemens Disease; Epidermolysis Bullosa Distrophica Autosomal Recessive (RDEB); Recessive DEB (RDEB); DYSTROPHIC EPIDERMOLYSIS BULLOSA, AUTOSOMAL RECESSIVE; EPIDERMOLYSIS BULLOSA DYSTROPHICA, HALLOPEAU-SIEMENS TYPE; severe generalized recessive dystrophic epidermolysis bullosa. Identifiers: Orphanet 79408, Orphanet 79409, MedGen C0079474, MONDO:0009179, OMIM 226600.

gnomAD v4.1: 95 of 1,613,820 alleles (0.0059%); highest among the groups gnomAD compares: Middle Eastern, 0.033%; no homozygotes.

Submissions (2):

Myriad Genetics, Inc.
Classification: Uncertain significance for Recessive dystrophic epidermolysis bullosa. Last evaluated: 2026-03-30. Review status: criteria provided, single submitter. Criteria: Myriad Autosomal Dominant, Autosomal Recessive and X-Linked Classification Criteria (2023). Collection method: clinical testing. Allele origin: unknown.
Comment: NM_000094.3(COL7A1):c.4288G>A(G1430R) is a missense variant classified as a variant of uncertain significance in the context of dystrophic epidermolysis bullosa. G1430R has not been observed in cases with relevant disease. Relevant functional assessments of this variant are not available in the literature. Internal structural analysis of the variant is supportive of pathogenicity. G1430R has been observed in referenced population frequency databases. In summary, there is insufficient evidence to classify NM_000094.3(COL7A1):c.4288G>A(G1430R) as pathogenic or benign. Please note: this variant was assessed in the context of healthy population screening.

Labcorp Genetics (formerly Invitae), Labcorp
Classification: Uncertain significance. Last evaluated: 2024-09-16. Review status: criteria provided, single submitter. Criteria: Invitae Variant Classification Sherloc (09022015). Collection method: clinical testing. Allele origin: germline.
Comment: This sequence change replaces glycine, which is neutral and non-polar, with arginine, which is basic and polar, at codon 1430 of the COL7A1 protein (p.Gly1430Arg). This variant is present in population databases (rs778127992, gnomAD 0.03%). This variant has not been reported in the literature in individuals affected with COL7A1-related conditions. Invitae Evidence Modeling of protein sequence and biophysical properties (such as structural, functional, and spatial information, amino acid conservation, physicochemical variation, residue mobility, and thermodynamic stability) indicates that this missense variant is expected to disrupt COL7A1 protein function with a positive predictive value of 95%. This variant disrupts the triple helix domain of COL7A1. Glycine residues within the Gly-Xaa-Yaa repeats of the triple helix domain are required for the structure and stability of fibrillar collagens (PMID: 7695699, 8218237, 19344236), and variants at these glycine residues in COL7A1 are more frequently observed in individuals with disease than in the general population (PMID: 22058051). However, the clinical significance of this observation remains uncertain since only a limited number of affected individuals have been described to date. In summary, the available evidence is currently insufficient to determine the role of this variant in disease. Therefore, it has been classified as a Variant of Uncertain Significance.

Literature cited by the submitters: PubMed 7695699 (cited by Labcorp Genetics (formerly Invitae), Labcorp); PubMed 8218237 (cited by Labcorp Genetics (formerly Invitae), Labcorp); PubMed 19344236 (cited by Labcorp Genetics (formerly Invitae), Labcorp); PubMed 22058051 (cited by Labcorp Genetics (formerly Invitae), Labcorp).

NM_000094.4(COL7A1):c.4288G>A (p.Gly1430Arg)

Gene: COL7A1 (collagen type VII alpha 1 chain; minus strand). Cytogenetic location: 3p21.31.
Variant type: single nucleotide variant.
Coding change: c.4288G>A on transcript NM_000094.4 (MANE Select); coding-DNA position 4288, G replaced by A.
Protein change: p.Gly1430Arg; replaces glycine 1430 with arginine.
Molecular consequence: missense variant.
Genome position (GRCh38, 1-based): chr3:48,583,771, C>T on the plus strand (G>A on the coding strand, the complement: COL7A1 is on the minus strand). VCF-style: chr3-48583771-C-T. GRCh37 (hg19) VCF-style: chr3-48621204-C-T.
Other names: short protein forms G1430R.
Identifiers: ClinVar variation 3730064 (VCV003730064.2).
Genomic context (GRCh38, chr3:48,583,771, plus strand): 5'-TTCCTACTTTTTCTCCTTTCTTTCCAGGGGGGCCAACGGGGCCTTGGGGTCCAGGGCTTC[C>T]GGGAAGACCCTAGGAAGAAGTGAGTAAAAATATGAGCCAAGAACTATGAAGCCCAGCACC-3'
Protein context (NP_000085.1, residues 1420-1440): PGEPGLPGLP[Gly1430Arg]SPGPQGPVGP